The following is an entry in ClinVar:

NM_000465.4(BARD1):c.387G>A (p.Arg129=)

Gene: BARD1 (BRCA1 associated RING domain 1; minus strand). Cytogenetic location: 2q35.
Variant type: single nucleotide variant.
Coding change: c.387G>A on transcript NM_000465.4 (MANE Select); coding-DNA position 387, G replaced by A.
Protein change: p.Arg129=; no amino-acid change (arginine 129 retained).
Molecular consequence: synonymous variant. On other transcripts: non-coding transcript variant (2), intron variant (3).
Genome position (GRCh38, 1-based): chr2:214,781,487, C>T on the plus strand (G>A on the coding strand, the complement: BARD1 is on the minus strand). VCF-style: chr2-214781487-C-T. GRCh37 (hg19) VCF-style: chr2-215646211-C-T.
Other names: c.330G>A, p.Arg110= (NM_001282543.2); c.158+27925G>A (NM_001282548.2); c.215+15574G>A (NM_001282545.2); c.364+10810G>A (NM_001282549.2).
Identifiers: ClinVar variation 511304 (VCV000511304.1), dbSNP rs1158567575, ClinGen allele CA431136863.

ClinVar aggregate classification (germline): Likely benign (1 of 4 stars; one submission).

Allele frequency attached by ClinVar (database versions not stated): gnomAD exomes below 0.00001.
gnomAD v4.1: 1 of 1,611,336 alleles (0.000062%); highest among the groups gnomAD compares: Admixed American, 0.0017%; no homozygotes.

Submission:

GeneDx
Classification: Likely benign. Last evaluated: 2017-08-04. Review status: criteria provided, single submitter. Criteria: GeneDx Variant Classification (06012015). Collection method: clinical testing. Allele origin: germline. Affected: yes.
Comment: This variant is considered likely benign or benign based on one or more of the following criteria: it is a conservative change, it occurs at a poorly conserved position in the protein, it is predicted to be benign by multiple in silico algorithms, and/or has population frequency not consistent with disease.